The following is an entry in ClinVar:

NM_000094.4(COL7A1):c.7228G>A (p.Gly2410Ser)

Gene: COL7A1 (collagen type VII alpha 1 chain; minus strand). Cytogenetic location: 3p21.31.
Variant type: single nucleotide variant.
Coding change: c.7228G>A on transcript NM_000094.4 (MANE Select); coding-DNA position 7228, G replaced by A.
Protein change: p.Gly2410Ser; replaces glycine 2410 with serine.
Molecular consequence: missense variant.
Genome position (GRCh38, 1-based): chr3:48,570,905, C>T on the plus strand (G>A on the coding strand, the complement: COL7A1 is on the minus strand). VCF-style: chr3-48570905-C-T. GRCh37 (hg19) VCF-style: chr3-48608338-C-T.
Other names: short protein forms G2410S.
Identifiers: ClinVar variation 2576095 (VCV002576095.1), dbSNP rs2530871342, ClinGen allele CA352650176.
Genomic context (GRCh38, chr3:48,570,905, plus strand): 5'-GTTCCCAGCCCCTCACCCGCTCTCCACTAGGGCCTGGCTGACCCATCTCTCCTCGAGGGC[C>T]TGTCTGACCCGGGAACCCAACAACACCAGGAGCACCGGGCAGGCCAGGGAGGCCCAGATC-3'
Protein context (NP_000085.1, residues 2400-2420): PGVVGFPGQT[Gly2410Ser]PRGEMGQPGP

ClinVar aggregate classification (germline): Likely pathogenic (1 of 4 stars; one submission).

Submission:

Institute for Clinical Genetics, University Hospital TU Dresden, University Hospital TU Dresden
Classification: Likely pathogenic. Last evaluated: 2023-03-31. Review status: criteria provided, single submitter. Criteria: ACMG Guidelines, 2015. Collection method: clinical testing. Allele origin: paternal.
Comment: PM3_SUP, PM1, PP3, PP4, PM2_SUP